The following is an entry in ClinVar:

NM_000080.4(CHRNE):c.1271_1272del (p.Val424fs)

Gene: CHRNE (cholinergic receptor nicotinic epsilon subunit; minus strand). Cytogenetic location: 17p13.2.
Variant type: Microsatellite.
Coding change: c.1271_1272del on transcript NM_000080.4 (MANE Select); coding-DNA positions 1271 to 1272, 2 bases deleted (TG; older notation c.1271_1272delTG).
Protein change: p.Val424fs; shifts the reading frame from valine 424.
Molecular consequence: frameshift variant.
Genome position (GRCh38, 1-based): chr17:4,899,055-4,899,056, CA deleted on the plus strand (TG on the coding strand, the reverse complement: CHRNE is on the minus strand); deleting any 2 consecutive bases within chr17:4,899,055-4,899,060 gives the same sequence; the c. name uses the placement nearest the transcript's 3' end. VCF-style (leftmost placement, unchanged base first): chr17-4899054-CCA-C. GRCh37 (hg19) VCF-style: chr17-4802349-CCA-C.
Other names: short protein forms V424fs.
Identifiers: ClinVar variation 4816877 (VCV004816877.1).

ClinVar aggregate classification (germline): Likely pathogenic (1 of 4 stars; one submission).

Conditions:
Congenital myasthenic syndrome (CMS). Also called: Congenital Myasthenic Syndromes. Identifiers: Orphanet 590, MedGen C0751882, MeSH D020294, MONDO:0018940.

Submission:

Natera, Inc.
Classification: Likely pathogenic for Congenital myasthenic syndrome. Last evaluated: 2024-04-11. Review status: criteria provided, single submitter. Criteria: Natera Variant Classification Schema (03/2026). Collection method: clinical testing. Allele origin: germline.
Comment: The c.1271_1272delTG variant in CHRNE is a frameshift variant predicted to shift the reading frame beginning at codon 424 and leads to a stop codon 31 codons downstream. This variant is expected to result in nonsense mediated decay, truncation, or a dysfunctional protein product. This variant is rare in the general population with a frequency below the threshold expected for the associated phenotype(s). This variant has been observed in one or more individuals affected with the associated recessive disease, as either homozygous or compound heterozygous with a second variant (PMID: 33756069). Given the available evidence, this variant is classified as Likely Pathogenic.

Literature cited by the submitters: PubMed 33756069.